The following is an entry in ClinVar:

ClinVar aggregate classification (germline): Uncertain significance (1 of 4 stars; one submission).

Conditions:
Hypertrophic cardiomyopathy 19. Also called: Familial hypertrophic cardiomyopathy 19. Identifiers: MedGen CN077603, MONDO:0013476.

Submission:

Labcorp Genetics (formerly Invitae), Labcorp
Classification: Uncertain significance for Hypertrophic cardiomyopathy 19. Last evaluated: 2022-03-22. Review status: criteria provided, single submitter. Criteria: Invitae Variant Classification Sherloc (09022015). Collection method: clinical testing. Allele origin: germline.
Comment: Experimental studies and prediction algorithms are not available or were not evaluated, and the functional significance of this variant is currently unknown. In summary, the available evidence is currently insufficient to determine the role of this variant in disease. Therefore, it has been classified as a Variant of Uncertain Significance. This variant has not been reported in the literature in individuals affected with CALR3-related conditions. This variant results in a copy number gain of the genomic region encompassing exon(s) 3 of the CALR3 gene. While the exact position of this variant cannot be determined from the data, sub-genic copy number gains are generally in tandem (PMID: 25640679). This variant is predicted to be in-frame, and likely preserves the integrity of the reading frame.

Literature cited by the submitters: PubMed 25640679.

NC_000019.9:g.(?_16601158)_(16601401_?)dup

Gene: CALR3 (calreticulin 3; minus strand). Cytogenetic location: 19p13.11.
Variant type: Duplication.
Identifiers: ClinVar variation 1412760 (VCV001412760.6).